The following is an entry in ClinVar:

NM_205836.3(FBXO38):c.2053A>G (p.Met685Val)

Gene: FBXO38 (F-box protein 38; plus strand). Cytogenetic location: 5q32.
Variant type: single nucleotide variant.
Coding change: c.2053A>G on transcript NM_205836.3 (MANE Select); coding-DNA position 2053, A replaced by G.
Protein change: p.Met685Val; replaces methionine 685 with valine.
Molecular consequence: missense variant. On other transcripts: intron variant (1).
Genome position (GRCh38, 1-based): chr5:148,427,347, A>G. VCF-style: chr5-148427347-A-G. GRCh37 (hg19) VCF-style: chr5-147806910-A-G.
Other names: c.2053A>G, p.Met685Val (NM_030793.5); c.1918+1646A>G (NM_001271723.2); short protein forms M685V.
Identifiers: ClinVar variation 649002 (VCV000649002.10), dbSNP rs775906161, ClinGen allele CA3497436.
Genomic context (GRCh38, chr5:148,427,347, plus strand): 5'-CTCGAGGAAAGCAGCTGTGAGAAAGGCTGTCAGGTCACCAGTGAGCAGATCAAAGCCGAT[A>G]TGAAAGCAGCTAGGGATATTCCTGAAAAGAAAAAAAACAAGGATGTTTATCCCAGCTGCA-3'
Protein context (NP_995308.1, residues 675-695): QVTSEQIKAD[Met685Val]KAARDIPEKK

ClinVar aggregate classification (germline): Uncertain significance (1 of 4 stars; one submission).

Conditions:
Distal hereditary motor neuropathy type 2. Identifiers: Orphanet 139525, MedGen C3711384, MeSH C580044, MONDO:0015352.

Allele frequency attached by ClinVar (database versions not stated): gnomAD exomes below 0.00001 and 0.00002; ExAC 0.00001; gnomAD 0.00001; TOPMed 0.00001.
gnomAD v4.1: 16 of 1,614,118 alleles (0.00099%); highest among the groups gnomAD compares: Non-Finnish European, 0.0014%; no homozygotes.

Submission:

Labcorp Genetics (formerly Invitae), Labcorp
Classification: Uncertain significance for Distal hereditary motor neuropathy type 2. Last evaluated: 2024-05-22. Review status: criteria provided, single submitter. Criteria: Invitae Variant Classification Sherloc (09022015). Collection method: clinical testing. Allele origin: germline.
Comment: This sequence change replaces methionine, which is neutral and non-polar, with valine, which is neutral and non-polar, at codon 685 of the FBXO38 protein (p.Met685Val). This variant is present in population databases (rs775906161, gnomAD 0.002%). This variant has not been reported in the literature in individuals affected with FBXO38-related conditions. ClinVar contains an entry for this variant (Variation ID: 649002). Advanced modeling of protein sequence and biophysical properties (such as structural, functional, and spatial information, amino acid conservation, physicochemical variation, residue mobility, and thermodynamic stability) performed at Invitae indicates that this missense variant is not expected to disrupt FBXO38 protein function with a negative predictive value of 80%. In summary, the available evidence is currently insufficient to determine the role of this variant in disease. Therefore, it has been classified as a Variant of Uncertain Significance.